The following is an entry in ClinVar:

NM_031844.3(HNRNPU):c.998A>C (p.Lys333Thr)

Gene: HNRNPU (heterogeneous nuclear ribonucleoprotein U; minus strand). Cytogenetic location: 1q44.
Variant type: single nucleotide variant.
Coding change: c.998A>C on transcript NM_031844.3 (MANE Select); coding-DNA position 998, A replaced by C.
Protein change: p.Lys333Thr; replaces lysine 333 with threonine.
Molecular consequence: missense variant.
Genome position (GRCh38, 1-based): chr1:244,860,354, T>G on the plus strand (A>C on the coding strand, the complement: HNRNPU is on the minus strand). VCF-style: chr1-244860354-T-G. GRCh37 (hg19) VCF-style: chr1-245023656-T-G.
Other names: c.941A>C, p.Lys314Thr (NM_004501.3); c.998A>C (NM_031844.2); short protein forms K314T, K333T.
Identifiers: ClinVar variation 1015466 (VCV001015466.10), dbSNP rs747886979, ClinGen allele CA1486606.

ClinVar aggregate classification (germline): Conflicting classifications of pathogenicity. Review status: criteria provided, conflicting classifications (1 of 4 stars). 2 submissions from 2 submitters: Uncertain significance (1); Likely benign (1). Last evaluated 2025-12-04.

Conditions:
Inborn genetic diseases. Identifiers: MedGen C0950123, MeSH D030342.
Developmental and epileptic encephalopathy, 54. Also called: Epileptic encephalopathy, early infantile, 54; HNRNPU-Related Neurodevelopmental Disorder. Identifiers: MedGen C4479319, MONDO:0033363, OMIM 617391.

Allele frequency attached by ClinVar (database versions not stated): ExAC 0.00001; gnomAD 0.00001; TOPMed 0.00001.
gnomAD v4.1: 5 of 1,608,166 alleles (0.00031%); highest among the groups gnomAD compares: African/African-American, 0.0054%; no homozygotes.

Submissions (2):

Ambry Genetics
Classification: Likely benign for Inborn genetic diseases. Last evaluated: 2025-12-04. Review status: criteria provided, single submitter. Criteria: Ambry Variant Classification Scheme 2023. Collection method: clinical testing. Allele origin: germline.

Labcorp Genetics (formerly Invitae), Labcorp
Classification: Uncertain significance for Developmental and epileptic encephalopathy, 54. Last evaluated: 2023-03-27. Review status: criteria provided, single submitter. Criteria: Invitae Variant Classification Sherloc (09022015). Collection method: clinical testing. Allele origin: germline.
Comment: In summary, the available evidence is currently insufficient to determine the role of this variant in disease. Therefore, it has been classified as a Variant of Uncertain Significance. Advanced modeling of protein sequence and biophysical properties (such as structural, functional, and spatial information, amino acid conservation, physicochemical variation, residue mobility, and thermodynamic stability) performed at Invitae indicates that this missense variant is expected to disrupt HNRNPU protein function. ClinVar contains an entry for this variant (Variation ID: 1015466). This variant has not been reported in the literature in individuals affected with HNRNPU-related conditions. This variant is present in population databases (rs747886979, gnomAD 0.01%). This sequence change replaces lysine, which is basic and polar, with threonine, which is neutral and polar, at codon 333 of the HNRNPU protein (p.Lys333Thr).